The following is an entry in ClinVar:

NM_000088.4(COL1A1):c.*1165C>G

Gene: COL1A1 (collagen type I alpha 1 chain; minus strand). Cytogenetic location: 17q21.33.
Variant type: single nucleotide variant.
Coding change: c.*1165C>G on transcript NM_000088.4 (MANE Select); 1165 bases downstream of the stop codon, C replaced by G.
Molecular consequence: 3 prime UTR variant.
Genome position (GRCh38, 1-based): chr17:50,184,337, G>C on the plus strand (C>G on the coding strand, the complement: COL1A1 is on the minus strand). VCF-style: chr17-50184337-G-C. GRCh37 (hg19) VCF-style: chr17-48261698-G-C.
Identifiers: ClinVar variation 324059 (VCV000324059.35), dbSNP rs149419718, ClinGen allele CA10649639.
Genomic context (GRCh38, chr17:50,184,337, plus strand): 5'-AGACTAGGAGGGAGCCGGGAGGATGGGCTGCAGCTGTGGAGGAGGGTTTCAGAGGAGAGA[G>C]GTCGGAGAGCAGAGGCCTGAGAAGCCAGAGGCAGGTGGAGAGAGGGTGGAAAGTGAGCAG-3'

ClinVar aggregate classification (germline): Conflicting classifications of pathogenicity. Review status: criteria provided, conflicting classifications (1 of 4 stars). 5 submissions from 3 submitters: Uncertain significance (1); Benign (3); Likely benign (1). Last evaluated 2023-04-01.

Conditions:
Ehlers-Danlos syndrome, arthrochalasia type. Also called: ARTHROCHALASIS MULTIPLEX CONGENITA; EDS VII, MUTANT PROCOLLAGEN TYPE; EDS VIIA; Ehlers-Danlos syndrome, arthrochalasis type; Ehlers-Danlos syndrome, arthrochalasia type, 1. Identifiers: Orphanet 1899, Orphanet 99875, Orphanet 99876, MedGen C4551623, MONDO:0007525, OMIM 130060.
Osteogenesis imperfecta (OI). Identifiers: Orphanet 666, MedGen C0029434, MeSH D010013, MONDO:0019019.
Infantile cortical hyperostosis. Also called: Hyperostosis, Cortical, Congenital; Caffey Disease; P1PK BLOOD GROUP SYSTEM, P(2) PHENOTYPE. Identifiers: Orphanet 1310, MedGen C0020497, MONDO:0007244, OMIM 114000.

Allele frequency attached by ClinVar (database versions not stated): 1000 Genomes Project 30x 0.00156; 1000 Genomes Project 0.00160; TOPMed 0.00530; gnomAD 0.00777 and 0.00794; gnomAD exomes 0.00799.
gnomAD v4.1: 1,791 of 231,932 alleles (0.77%); highest among the groups gnomAD compares: Non-Finnish European, 0.97%; 16 homozygotes.

Submissions (5):

CeGaT Center for Human Genetics Tuebingen
Classification: Benign. Last evaluated: 2023-04-01. Review status: criteria provided, single submitter. Criteria: CeGaT Center For Human Genetics Tuebingen Variant Classification Criteria Version 2. Collection method: clinical testing. Allele origin: germline. Affected: yes. Observed: 10 variant alleles.
Comment: COL1A1: BS1, BS2

GeneDx
Classification: Likely benign. Last evaluated: 2021-09-11. Review status: criteria provided, single submitter. Criteria: GeneDx Variant Classification Process June 2021. Collection method: clinical testing. Allele origin: germline. Affected: yes.

Illumina Laboratory Services, Illumina
Classification: Benign for Ehlers-Danlos syndrome, arthrochalasia type. Last evaluated: 2018-01-13. Review status: criteria provided, single submitter. Criteria: ICSL Variant Classification Criteria 13 December 2019. Collection method: clinical testing. Allele origin: germline.
Comment: This variant was observed in the ICSL laboratory as part of a predisposition screen in an ostensibly healthy population. It had not been previously curated by ICSL or reported in the Human Gene Mutation Database (HGMD: prior to June 1st, 2018), and was therefore a candidate for classification through an automated scoring system. Utilizing variant allele frequency, disease prevalence and penetrance estimates, and inheritance mode, an automated score was calculated to assess if this variant is too frequent to cause the disease. Based on the score and internal cut-off values, a variant classified as benign is not then subjected to further curation. The score for this variant resulted in a classification of benign for this disease.

Illumina Laboratory Services, Illumina
Classification: Uncertain significance for Infantile cortical hyperostosis. Last evaluated: 2018-01-13. Review status: criteria provided, single submitter. Criteria: ICSL Variant Classification Criteria 13 December 2019. Collection method: clinical testing. Allele origin: germline.

Illumina Laboratory Services, Illumina
Classification: Benign for Osteogenesis imperfecta. Last evaluated: 2018-01-13. Review status: criteria provided, single submitter. Criteria: ICSL Variant Classification Criteria 13 December 2019. Collection method: clinical testing. Allele origin: germline.
Comment: the same text as in the submission from Illumina Laboratory Services, Illumina above.